The following is an entry in ClinVar:

ClinVar aggregate classification (germline): Conflicting classifications of pathogenicity. Review status: criteria provided, conflicting classifications (1 of 4 stars). 3 submissions from 3 submitters: Uncertain significance (2); Likely benign (1). Last evaluated 2025-06-18.

Conditions:
Cardiovascular phenotype. Identifiers: MedGen CN230736.
Hypercholesterolemia, autosomal dominant, type B (FHCL2). Also called: APOB-Related Familial Hypercholesterolemia, Autosomal Dominant; Hyperlipoproteinemia Type IIb; Familial Hypercholesterolemia Type B; APOLIPOPROTEIN B-100, FAMILIAL DEFECTIVE; APOLIPOPROTEIN B-100, FAMILIAL LIGAND-DEFECTIVE; Familial hypercholesterolemia 2. Identifiers: MedGen C1704417, MONDO:0007751, OMIM 144010.
Familial hypobetalipoproteinemia 1. Also called: APOB-Related Familial Hypobetalipoproteinemia; Hypobetalipoproteinemia, normotriglyceridemic; Acanthocytosis with hypobetalipoproteinemia. Identifiers: MedGen C4551990, MONDO:0014252, OMIM 615558.

Allele frequency attached by ClinVar (database versions not stated): ExAC 0.00001; gnomAD 0.00001; gnomAD exomes 0.00002; ESP Exome Variant Server 0.00015; TOPMed below 0.00001.
gnomAD v4.1: 39 of 1,613,828 alleles (0.0024%); highest among the groups gnomAD compares: Non-Finnish European, 0.0031%; no homozygotes.

Submissions (3):

Labcorp Genetics (formerly Invitae), Labcorp
Classification: Likely benign for Familial hypobetalipoproteinemia 1; Hypercholesterolemia, autosomal dominant, type B. Last evaluated: 2025-06-18. Review status: criteria provided, single submitter. Criteria: Invitae Variant Classification Sherloc (09022015). Collection method: clinical testing. Allele origin: germline.

Ambry Genetics
Classification: Uncertain significance for Cardiovascular phenotype. Last evaluated: 2024-12-28. Review status: criteria provided, single submitter. Criteria: Ambry Variant Classification Scheme 2023. Collection method: clinical testing. Allele origin: germline.
Comment: The p.Q4474H variant (also known as c.13422G>C), located in coding exon 29 of the APOB gene, results from a G to C substitution at nucleotide position 13422. The glutamine at codon 4474 is replaced by histidine, an amino acid with highly similar properties. This amino acid position is conserved. In addition, this alteration is predicted to be tolerated by in silico analysis. Since supporting evidence is limited at this time, the clinical significance of this alteration remains unclear.

GeneDx
Classification: Uncertain significance. Last evaluated: 2023-12-26. Review status: criteria provided, single submitter. Criteria: GeneDx Variant Classification Process June 2021. Collection method: clinical testing. Allele origin: germline. Affected: yes.
Comment: Has not been previously published as pathogenic or benign to our knowledge; Not observed at significant frequency in large population cohorts (gnomAD); In silico analysis supports that this missense variant does not alter protein structure/function

NM_000384.3(APOB):c.13422G>C (p.Gln4474His)

Gene: APOB (apolipoprotein B; minus strand). Cytogenetic location: 2p24.1.
Variant type: single nucleotide variant.
Coding change: c.13422G>C on transcript NM_000384.3 (MANE Select); coding-DNA position 13422, G replaced by C.
Protein change: p.Gln4474His; replaces glutamine 4474 with histidine.
Molecular consequence: missense variant.
Genome position (GRCh38, 1-based): chr2:21,002,000, C>G on the plus strand (G>C on the coding strand, the complement: APOB is on the minus strand). VCF-style: chr2-21002000-C-G. GRCh37 (hg19) VCF-style: chr2-21224872-C-G.
Other names: short protein forms Q4474H.
Identifiers: ClinVar variation 630236 (VCV000630236.21), dbSNP rs146661220, ClinGen allele CA052673.